The following is an entry in ClinVar:

NM_024675.4(PALB2):c.1706_1707del (p.Lys569fs)

Gene: PALB2 (partner and localizer of BRCA2; minus strand). Cytogenetic location: 16p12.2.
Variant type: Deletion.
Coding change: c.1706_1707del on transcript NM_024675.4 (MANE Select); coding-DNA positions 1706 to 1707, 2 bases deleted (AA; older notation c.1706_1707delAA).
Protein change: p.Lys569fs; shifts the reading frame from lysine 569.
Molecular consequence: frameshift variant.
Genome position (GRCh38, 1-based): chr16:23,630,447-23,630,448, TT deleted on the plus strand (AA on the coding strand, the reverse complement: PALB2 is on the minus strand); deleting any 2 consecutive bases within chr16:23,630,447-23,630,451 gives the same sequence; the c. name uses the placement nearest the transcript's 3' end. VCF-style (leftmost placement, unchanged base first): chr16-23630446-CTT-C. GRCh37 (hg19) VCF-style: chr16-23641767-CTT-C.
Other names: c.1706_1707delAA (NM_024675.3); short protein forms K569fs.
Identifiers: ClinVar variation 410144 (VCV000410144.15), dbSNP rs1060502759, ClinGen allele CA16614886.

ClinVar aggregate classification (germline): Pathogenic/Likely pathogenic. Review status: criteria provided, multiple submitters, no conflicts (2 of 4 stars). 4 submissions from 4 submitters: Pathogenic (3); Likely pathogenic (1). Last evaluated 2023-09-11.

Conditions:
Familial cancer of breast. Also called: BREAST CANCER, FAMILIAL; Hereditary breast cancer; hereditary breast carcinoma. Identifiers: Orphanet 227535, MedGen C0346153, MONDO:0016419, OMIM 114480. Disease mechanism: loss of function.
Hereditary cancer-predisposing syndrome. Also called: Tumor predisposition; Hereditary Cancer Syndrome; Hereditary neoplastic syndrome; Neoplastic Syndromes, Hereditary. Identifiers: Orphanet 140162, MedGen C0027672, MeSH D009386, MONDO:0015356.

Submissions (4):

Myriad Genetics, Inc.
Classification: Pathogenic for Familial cancer of breast. Last evaluated: 2023-09-11. Review status: criteria provided, single submitter. Criteria: Myriad Autosomal Dominant, Autosomal Recessive and X-Linked Classification Criteria (2023). Collection method: clinical testing. Allele origin: unknown.
Comment: This variant is considered pathogenic. This variant creates a frameshift predicted to result in premature protein truncation.

Labcorp Genetics (formerly Invitae), Labcorp
Classification: Pathogenic for Familial cancer of breast. Last evaluated: 2023-05-08. Review status: criteria provided, single submitter. Criteria: Invitae Variant Classification Sherloc (09022015). Collection method: clinical testing. Allele origin: germline.
Comment: For these reasons, this variant has been classified as Pathogenic. ClinVar contains an entry for this variant (Variation ID: 410144). This variant has not been reported in the literature in individuals affected with PALB2-related conditions. This variant is not present in population databases (gnomAD no frequency). This sequence change creates a premature translational stop signal (p.Lys569Argfs*8) in the PALB2 gene. It is expected to result in an absent or disrupted protein product. Loss-of-function variants in PALB2 are known to be pathogenic (PMID: 17200668, 17200671, 17200672, 24136930, 25099575).

Ambry Genetics
Classification: Pathogenic for Hereditary cancer-predisposing syndrome. Last evaluated: 2021-12-22. Review status: criteria provided, single submitter. Criteria: Ambry Variant Classification Scheme 2023. Collection method: clinical testing. Allele origin: germline.
Comment: The c.1706_1707delAA pathogenic mutation, located in coding exon 5 of the PALB2 gene, results from a deletion of two nucleotides at nucleotide positions 1706 to 1707, causing a translational frameshift with a predicted alternate stop codon (p.K569Rfs*8). This alteration is expected to result in loss of function by premature protein truncation or nonsense-mediated mRNA decay. As such, this alteration is interpreted as a disease-causing mutation.

Sema4
Classification: Likely pathogenic for Hereditary cancer-predisposing syndrome. Last evaluated: 2021-07-26. Review status: criteria provided, single submitter. Criteria: Sema4 Curation Guidelines. Collection method: curation. Allele origin: germline.
Comment: To the best of our knowledge, the PALB2 c.1706_1707delAA (p.K569Rfs*8) variant has not been reported in individuals with PALB2-related disease. This variant causes a frameshift at amino acid 569 that results in premature termination 8 amino acids downstream. At this location, this is predicted to cause nonsense-mediated decay and result in an absent protein (loss of function). This variant is not reported in the population database Genome Aggregation Database (PMID: 32461654). This variant has been reported in ClinVar (Variation ID: 410144). Based on the current evidence available, this variant is interpreted as likely pathogenic.

Literature cited by the submitters: PubMed 17200668 (cited by Labcorp Genetics (formerly Invitae), Labcorp); PubMed 17200671 (cited by Labcorp Genetics (formerly Invitae), Labcorp); PubMed 17200672 (cited by Labcorp Genetics (formerly Invitae), Labcorp); PubMed 24136930 (cited by Labcorp Genetics (formerly Invitae), Labcorp); PubMed 25099575 (cited by Labcorp Genetics (formerly Invitae), Labcorp).